The following is an entry in ClinVar:

NM_004006.2(DMD):c.-128410A>C

Gene: DMD (dystrophin; minus strand). Cytogenetic location: Xp21.1.
Variant type: single nucleotide variant.
Coding change: c.-128410A>C on transcript NM_004006.2; 128410 bases upstream of the start codon, A replaced by C.
Genome position (GRCh38, 1-based): chrX:33,339,722, T>G on the plus strand (A>C on the coding strand, the complement: DMD is on the minus strand). VCF-style: chrX-33339722-T-G. GRCh37 (hg19) VCF-style: chrX-33357839-T-G.
Identifiers: ClinVar variation 680624 (VCV000680624.3), dbSNP rs66718538, ClinGen allele CA147797.
Genomic context (GRCh38, chrX:33,339,722, plus strand): 5'-ACTCGCTCTTCTGTACAGATGCAAAGCCTTTGGATTAGATTATTTTCCTAAGTGTAACAA[T>G]AGTAGAGTTCCTCGCCAAACATCATATTATTCACACTGAAATTTTGGCTGATTTTTACTT-3'

ClinVar aggregate classification (germline): Benign (1 of 4 stars; one submission).

Allele frequency attached by ClinVar (database versions not stated): 1000 Genomes Project 30x 0.03455; 1000 Genomes Project 0.03497; gnomAD 0.06286 and 0.06203; TOPMed 0.06009.

Submission:

GeneDx
Classification: Benign. Last evaluated: 2018-06-16. Review status: criteria provided, single submitter. Criteria: GeneDx Variant Classification (06012015). Collection method: clinical testing. Allele origin: germline. Affected: yes.
Comment: This variant is considered likely benign or benign based on one or more of the following criteria: it is a conservative change, it occurs at a poorly conserved position in the protein, it is predicted to be benign by multiple in silico algorithms, and/or has population frequency not consistent with disease.